The following is an entry in ClinVar:

ClinVar aggregate classification (germline): Likely benign (1 of 4 stars; one submission).

Submission:

CeGaT Center for Human Genetics Tuebingen
Classification: Likely benign. Last evaluated: 2026-05-01. Review status: criteria provided, single submitter. Criteria: CeGaT Center For Human Genetics Tuebingen Variant Classification Criteria Version 2. Collection method: clinical testing. Allele origin: germline. Affected: yes. Observed: 1 variant allele.
Comment: LCE3B: PM2:Supporting, BP4, BP7

NM_178433.1(LCE3B):c.36T>C (p.Pro12=)

Gene: LCE3B (late cornified envelope 3B; plus strand). Cytogenetic location: 1q21.3.
Variant type: single nucleotide variant.
Coding change: c.36T>C on transcript NM_178433.1 (MANE Select); coding-DNA position 36, T replaced by C.
Protein change: p.Pro12=; no amino-acid change (proline 12 retained).
Molecular consequence: synonymous variant.
Genome position (GRCh38, 1-based): chr1:152,613,846, T>C. VCF-style: chr1-152613846-T-C. GRCh37 (hg19) VCF-style: chr1-152586322-T-C.
Identifiers: ClinVar variation 4872787 (VCV004872787.2).
Genomic context (GRCh38, chr1:152,613,846, plus strand): 5'-ATCCAGGCTGTCACCTCCTGCCAAGATGTCCTGCCAGCAGAACCAGCAGCAGTGCCAGCC[T>C]CTGCCCAAGTGCCCCTCACCCAAGTGCCCCCCAAAGAGCTCAGCACAGTGTCTGCCTCCA-3'
Protein context (NP_848520.1, residues 2-22): SCQQNQQQCQ[Pro12=]LPKCPSPKCP